The following is an entry in ClinVar:

NM_005005.3(NDUFB9):c.409-247G>A

Gene: NDUFB9 (NADH:ubiquinone oxidoreductase subunit B9; plus strand). Cytogenetic location: 8q24.13.
Variant type: single nucleotide variant.
Coding change: c.409-247G>A on transcript NM_005005.3 (MANE Select); 247 bases into the intron before coding-DNA position 409, G replaced by A.
Molecular consequence: intron variant.
Genome position (GRCh38, 1-based): chr8:124,549,514, G>A. VCF-style: chr8-124549514-G-A. GRCh37 (hg19) VCF-style: chr8-125561755-G-A.
Other names: c.280-247G>A (NM_001278646.2); c.376-247G>A (NM_001311168.2); c.241-247G>A (NM_001278645.2).
Identifiers: ClinVar variation 669513 (VCV000669513.1), dbSNP rs3829038, ClinGen allele CA15543983.

ClinVar aggregate classification (germline): Benign (1 of 4 stars; one submission).

Allele frequency attached by ClinVar (database versions not stated): gnomAD 0.07829 and 0.08641; TOPMed 0.07919; 1000 Genomes Project 30x 0.14756; 1000 Genomes Project 0.15335.
gnomAD v4.1: 13,044 of 152,174 alleles (8.6%); highest among the groups gnomAD compares: South Asian, 29%; 852 homozygotes.

Submission:

GeneDx
Classification: Benign. Last evaluated: 2018-06-14. Review status: criteria provided, single submitter. Criteria: GeneDx Variant Classification (06012015). Collection method: clinical testing. Allele origin: germline. Affected: yes.
Comment: This variant is considered likely benign or benign based on one or more of the following criteria: it is a conservative change, it occurs at a poorly conserved position in the protein, it is predicted to be benign by multiple in silico algorithms, and/or has population frequency not consistent with disease.